The following is an entry in ClinVar:

NM_001099434.2(DCDC2B):c.617A>G (p.Lys206Arg)

Gene: DCDC2B (doublecortin domain containing 2B; plus strand). Cytogenetic location: 1p35.2.
Variant type: single nucleotide variant.
Coding change: c.617A>G on transcript NM_001099434.2 (MANE Select); coding-DNA position 617, A replaced by G.
Protein change: p.Lys206Arg; replaces lysine 206 with arginine.
Molecular consequence: missense variant.
Genome position (GRCh38, 1-based): chr1:32,212,579, A>G. VCF-style: chr1-32212579-A-G. GRCh37 (hg19) VCF-style: chr1-32678180-A-G.
Other names: short protein forms K206R.
Identifiers: ClinVar variation 2638607 (VCV002638607.24), dbSNP rs200413736, ClinGen allele CA740017.

ClinVar aggregate classification (germline): Benign (1 of 4 stars; one submission).

Allele frequency attached by ClinVar (database versions not stated): 1000 Genomes Project 0.00140; 1000 Genomes Project 30x 0.00156; TOPMed 0.00244; ESP Exome Variant Server 0.00291; gnomAD 0.00374; gnomAD exomes 0.00382; ExAC 0.00420.
gnomAD v4.1: 6,135 of 1,614,026 alleles (0.38%); highest among the groups gnomAD compares: Non-Finnish European, 0.4%; 32 homozygotes.

Submission:

CeGaT Center for Human Genetics Tuebingen
Classification: Benign. Last evaluated: 2022-08-01. Review status: criteria provided, single submitter. Criteria: CeGaT Center For Human Genetics Tuebingen Variant Classification Criteria Version 2. Collection method: clinical testing. Allele origin: germline. Affected: yes. Observed: 1 variant allele.
Comment: DCDC2B: BS1, BS2